The following is an entry in ClinVar:

NM_005143.5(HP):c.564T>G (p.Gly188=)

Gene: HP (haptoglobin; plus strand). Cytogenetic location: 16q22.2.
Variant type: single nucleotide variant.
Coding change: c.564T>G on transcript NM_005143.5 (MANE Select); coding-DNA position 564, T replaced by G.
Protein change: p.Gly188=; no amino-acid change (glycine 188 retained).
Molecular consequence: synonymous variant.
Genome position (GRCh38, 1-based): chr16:72,060,233, T>G. VCF-style: chr16-72060233-T-G. GRCh37 (hg19) VCF-style: chr16-72094132-T-G.
Other names: c.387T>G, p.Gly129= (NM_001126102.3, NM_001318138.2).
Identifiers: ClinVar variation 782963 (VCV000782963.28), dbSNP rs588482, ClinGen allele CA8159137.

ClinVar aggregate classification (germline): Likely benign. Review status: criteria provided, multiple submitters, no conflicts (2 of 4 stars). 3 submissions from 3 submitters: Likely benign (3). Last evaluated 2023-01-01.

Allele frequency attached by ClinVar (database versions not stated): gnomAD exomes 0.00144; ExAC 0.00216; gnomAD 0.00326; TOPMed 0.00329; 1000 Genomes Project 0.00359; 1000 Genomes Project 30x 0.00375.

Submissions (3):

CeGaT Center for Human Genetics Tuebingen
Classification: Likely benign. Last evaluated: 2023-01-01. Review status: criteria provided, single submitter. Criteria: CeGaT Center For Human Genetics Tuebingen Variant Classification Criteria Version 2. Collection method: clinical testing. Allele origin: germline. Affected: yes. Observed: 1 variant allele.
Comment: HP: BP4, BP7, BS2

Labcorp Genetics (formerly Invitae), Labcorp
Classification: Likely benign. Last evaluated: 2018-06-13. Review status: criteria provided, single submitter. Criteria: Invitae Variant Classification Sherloc (09022015). Collection method: clinical testing. Allele origin: germline.

Breakthrough Genomics
Classification: Likely benign. Review status: criteria provided, single submitter. Criteria: ACMG Guidelines, 2015. Collection method: not provided. Allele origin: germline. Inheritance: Unknown mechanism. Affected: yes.